The following is an entry in ClinVar:

ClinVar aggregate classification (germline): Pathogenic. Review status: criteria provided, multiple submitters, no conflicts (2 of 4 stars). 3 submissions from 3 submitters: Pathogenic (3). Last evaluated 2024-04-22.

Conditions:
Autosomal recessive Parkinson disease 14. Also called: DYSTONIA-PARKINSONISM, ADULT-ONSET; PARKINSON DISEASE 14. Identifiers: Orphanet 199351, MedGen C2751842, MONDO:0013060, OMIM 612953.
Infantile neuroaxonal dystrophy (NBIA2A). Also called: NEURODEGENERATION WITH BRAIN IRON ACCUMULATION 2A; SEITELBERGER DISEASE; Infantile neuroaxonal dystrophy 1. Identifiers: Orphanet 35069, MedGen C0270724, MONDO:0024457, OMIM 256600.
Neurodegeneration with brain iron accumulation 2B. Also called: NEUROAXONAL DYSTROPHY, ATYPICAL; NEURODEGENERATION WITH BRAIN IRON ACCUMULATION, PLA2G6-RELATED; aNAD; atypical Neuroaxonal Dystrophy (aNAD). Identifiers: Orphanet 35069, MedGen C1857747, MONDO:0012444, OMIM 610217.

Allele frequency attached by ClinVar (database versions not stated): ExAC 0.00001; gnomAD exomes below 0.00001.

Submissions (3):

Fulgent Genetics
Classification: Pathogenic for Infantile neuroaxonal dystrophy; Neurodegeneration with brain iron accumulation 2B; Autosomal recessive Parkinson disease 14. Last evaluated: 2024-04-22. Review status: criteria provided, single submitter. Criteria: ACMG Guidelines, 2015. Collection method: clinical testing. Allele origin: germline.

Women's Health and Genetics/Laboratory Corporation of America, LabCorp
Classification: Pathogenic for Infantile neuroaxonal dystrophy. Last evaluated: 2024-04-19. Review status: criteria provided, single submitter. Criteria: LabCorp Variant Classification Summary - May 2015. Collection method: clinical testing. Allele origin: germline.
Comment: Variant summary: PLA2G6 c.1982C>T (p.Thr661Met) results in a non-conservative amino acid change located in the Patatin-like phospholipase domain (IPR002641) of the encoded protein sequence. Five of five in-silico tools predict a damaging effect of the variant on protein function. The variant allele was found at a frequency of 8e-06 in 249664 control chromosomes. c.1982C>T has been reported in the literature in multiple individuals affected with Infantile Neuroaxonal Dystrophy, Neurodegeneration with brain iron accumulation and related disorders (Sukenik-Halevy_2022, Koroglu_2012, Arslan_2020, Dong_2020, Ganapathy_2019, Sait_2023). These data indicate that the variant is very likely to be associated with disease. To our knowledge, no experimental evidence demonstrating an impact on protein function has been reported. The following publications have been ascertained in the context of this evaluation (PMID: 31493945, 32005694, 31069529, 23749988, 36790591, 35032046). ClinVar contains an entry for this variant (Variation ID: 2724426). Based on the evidence outlined above, the variant was classified as pathogenic.

Labcorp Genetics (formerly Invitae), Labcorp
Classification: Pathogenic for Infantile neuroaxonal dystrophy. Last evaluated: 2024-03-04. Review status: criteria provided, single submitter. Criteria: Invitae Variant Classification Sherloc (09022015). Collection method: clinical testing. Allele origin: germline.
Comment: This sequence change replaces threonine, which is neutral and polar, with methionine, which is neutral and non-polar, at codon 661 of the PLA2G6 protein (p.Thr661Met). This variant is present in population databases (rs767689496, gnomAD 0.006%). This missense change has been observed in individual(s) with infantile neuroaxonal dystrophy (PMID: 23749988, 31069529, 32005694, 35032046). In at least one individual the data is consistent with being in trans (on the opposite chromosome) from a pathogenic variant. Advanced modeling of protein sequence and biophysical properties (such as structural, functional, and spatial information, amino acid conservation, physicochemical variation, residue mobility, and thermodynamic stability) performed at Invitae indicates that this missense variant is expected to disrupt PLA2G6 protein function with a positive predictive value of 80%. For these reasons, this variant has been classified as Pathogenic.

Literature cited by the submitters: PubMed 32005694 (cited by Women's Health and Genetics/Laboratory Corporation of America, LabCorp and Labcorp Genetics (formerly Invitae), Labcorp); PubMed 31069529 (cited by Women's Health and Genetics/Laboratory Corporation of America, LabCorp and Labcorp Genetics (formerly Invitae), Labcorp); PubMed 31493945 (cited by Women's Health and Genetics/Laboratory Corporation of America, LabCorp); PubMed 36790591 (cited by Women's Health and Genetics/Laboratory Corporation of America, LabCorp); PubMed 23749988 (cited by Women's Health and Genetics/Laboratory Corporation of America, LabCorp and Labcorp Genetics (formerly Invitae), Labcorp); PubMed 35032046 (cited by Women's Health and Genetics/Laboratory Corporation of America, LabCorp and Labcorp Genetics (formerly Invitae), Labcorp).

NM_003560.4(PLA2G6):c.1982C>T (p.Thr661Met)

Gene: PLA2G6 (phospholipase A2 group VI; minus strand). Cytogenetic location: 22q13.1.
Variant type: single nucleotide variant.
Coding change: c.1982C>T on transcript NM_003560.4 (MANE Select); coding-DNA position 1982, C replaced by T.
Protein change: p.Thr661Met; replaces threonine 661 with methionine.
Molecular consequence: missense variant.
Genome position (GRCh38, 1-based): chr22:38,115,579, G>A on the plus strand (C>T on the coding strand, the complement: PLA2G6 is on the minus strand). VCF-style: chr22-38115579-G-A. GRCh37 (hg19) VCF-style: chr22-38511586-G-A.
Other names: c.1820C>T, p.Thr607Met (NM_001004426.3, NM_001199562.3, NM_001349865.2 and 1 more transcripts); c.1982C>T, p.Thr661Met (NM_001349864.2); c.1448C>T, p.Thr483Met (NM_001349867.2); c.1304C>T, p.Thr435Met (NM_001349868.2); c.1286C>T, p.Thr429Met (NM_001349869.2); short protein forms T661M, T435M, T429M, T483M, T607M.
Identifiers: ClinVar variation 2724426 (VCV002724426.5), dbSNP rs767689496, ClinGen allele CA10230663.